The following is an entry in ClinVar:

ClinVar aggregate classification (germline): Benign (1 of 4 stars; one submission).

Allele frequency attached by ClinVar (database versions not stated): gnomAD 0.34625 and 0.34828; TOPMed 0.35290; 1000 Genomes Project 0.38698; 1000 Genomes Project 30x 0.39210.
gnomAD v4.1: 52,415 of 152,048 alleles (34%); highest among the groups gnomAD compares: African/African-American, 54%; 10,191 homozygotes.

Submission:

GeneDx
Classification: Benign. Last evaluated: 2018-06-16. Review status: criteria provided, single submitter. Criteria: GeneDx Variant Classification (06012015). Collection method: clinical testing. Allele origin: germline. Affected: yes.
Comment: This variant is considered likely benign or benign based on one or more of the following criteria: it is a conservative change, it occurs at a poorly conserved position in the protein, it is predicted to be benign by multiple in silico algorithms, and/or has population frequency not consistent with disease.

NM_000426.4(LAMA2):c.7749+160A>G

Gene: LAMA2 (laminin subunit alpha 2; plus strand). Cytogenetic location: 6q22.33.
Variant type: single nucleotide variant.
Coding change: c.7749+160A>G on transcript NM_000426.4 (MANE Select); 160 bases into the intron after coding-DNA position 7749, A replaced by G.
Molecular consequence: intron variant.
Genome position (GRCh38, 1-based): chr6:129,481,599, A>G. VCF-style: chr6-129481599-A-G. GRCh37 (hg19) VCF-style: chr6-129802744-A-G.
Other names: c.7737+160A>G (NM_001079823.2).
Identifiers: ClinVar variation 682949 (VCV000682949.1), dbSNP rs2571582, ClinGen allele CA12410275.